The following is an entry in ClinVar:

ClinVar aggregate classification (germline): Uncertain significance (1 of 4 stars; one submission).

Submission:

Labcorp Genetics (formerly Invitae), Labcorp
Classification: Uncertain significance. Last evaluated: 2022-07-28. Review status: criteria provided, single submitter. Criteria: Invitae Variant Classification Sherloc (09022015). Collection method: clinical testing. Allele origin: germline.
Comment: This variant is not present in population databases (gnomAD no frequency). In summary, the available evidence is currently insufficient to determine the role of this variant in disease. Therefore, it has been classified as a Variant of Uncertain Significance. Algorithms developed to predict the effect of missense changes on protein structure and function are either unavailable or do not agree on the potential impact of this missense change (SIFT: "Tolerated"; PolyPhen-2: "Possibly Damaging"; Align-GVGD: "Class C0"). This missense change has been observed in individual(s) with clinical features of a TNPO2-related neurodevelopmental disorder (Invitae). This sequence change replaces aspartic acid, which is acidic and polar, with alanine, which is neutral and non-polar, at codon 365 of the TNPO2 protein (p.Asp365Ala).

NM_001382241.1(TNPO2):c.1094A>C (p.Asp365Ala)

Gene: TNPO2 (transportin 2; minus strand). Cytogenetic location: 19p13.13.
Variant type: single nucleotide variant.
Coding change: c.1094A>C on transcript NM_001382241.1 (MANE Select); coding-DNA position 1094, A replaced by C.
Protein change: p.Asp365Ala; replaces aspartic acid 365 with alanine.
Molecular consequence: missense variant. On other transcripts: non-coding transcript variant (5).
Genome position (GRCh38, 1-based): chr19:12,711,319, T>G on the plus strand (A>C on the coding strand, the complement: TNPO2 is on the minus strand). VCF-style: chr19-12711319-T-G. GRCh37 (hg19) VCF-style: chr19-12822133-T-G.
Other names: c.1094A>C, p.Asp365Ala (NM_001136195.2, NM_001136196.2, NM_001382236.1 and 7 more transcripts); short protein forms D365A.
Identifiers: ClinVar variation 1912888 (VCV001912888.5), dbSNP rs2512686384, ClinGen allele CA404246063.